The following is an entry in ClinVar:

NM_001080453.3(INTS1):c.1349T>G (p.Leu450Arg)

Gene: INTS1 (integrator complex subunit 1; minus strand). Cytogenetic location: 7p22.3.
Variant type: single nucleotide variant.
Coding change: c.1349T>G on transcript NM_001080453.3 (MANE Select); coding-DNA position 1349, T replaced by G.
Protein change: p.Leu450Arg; replaces leucine 450 with arginine.
Molecular consequence: missense variant.
Genome position (GRCh38, 1-based): chr7:1,498,488, A>C on the plus strand (T>G on the coding strand, the complement: INTS1 is on the minus strand). VCF-style: chr7-1498488-A-C. GRCh37 (hg19) VCF-style: chr7-1538124-A-C.
Other names: c.1349T>G (NM_001080453.2); short protein forms L450R.
Identifiers: ClinVar variation 1328177 (VCV001328177.5), dbSNP rs376668138, ClinGen allele CA4120363.
Genomic context (GRCh38, chr7:1,498,488, plus strand): 5'-GAGCTGTGCTGCAGTGCGGTATAGAGGACCTGCATGTTGTTCGGGTTCCGGGCGCTGGAG[A>C]GCTCATTGAAGATCACCAACTTGATGGTGGTGCCCAGGTTGTCCTTGTGCGCGCTCAGCA-3'
Protein context (NP_001073922.2, residues 440-460): TTIKLVIFNE[Leu450Arg]SSARNPNNMQ

ClinVar aggregate classification (germline): Uncertain significance. Review status: criteria provided, multiple submitters, no conflicts (2 of 4 stars). 2 submissions from 2 submitters: Uncertain significance (2). Last evaluated 2024-06-13.

Conditions:
Neurodevelopmental disorder with cataracts, poor growth, and dysmorphic facies. Identifiers: MedGen C5231414, MONDO:0032817, OMIM 618571.
Inborn genetic diseases. Identifiers: MedGen C0950123, MeSH D030342.

Allele frequency attached by ClinVar (database versions not stated): gnomAD exomes 0.00001 and 0.00002; ExAC 0.00003; gnomAD 0.00008 and 0.00009; TOPMed 0.00011; ESP Exome Variant Server 0.00016.
gnomAD v4.1: 19 of 1,613,700 alleles (0.0012%); highest among the groups gnomAD compares: African/African-American, 0.025%; no homozygotes.

Submissions (2):

Ambry Genetics
Classification: Uncertain significance for Inborn genetic diseases. Last evaluated: 2024-06-13. Review status: criteria provided, single submitter. Criteria: Ambry Variant Classification Scheme 2023. Collection method: clinical testing. Allele origin: germline.

Illumina Laboratory Services, Illumina
Classification: Uncertain significance for Neurodevelopmental disorder with cataracts, poor growth, and dysmorphic facies. Last evaluated: 2021-08-19. Review status: criteria provided, single submitter. Criteria: ICSLVariantClassificationCriteria RUGD 01 April 2020. Collection method: clinical testing. Allele origin: unknown.
Comment: The INTS1 c.1349T>G (p.Leu450Arg) variant is a missense variant. A literature search was performed for the gene, cDNA change, and amino acid change. No publications were found based on this search. This variant is found at a frequency of 0.000290 in the African/African American population of the Genome Aggregation Database (version 2.1.1). Based on the limited evidence, the p.Leu450Arg variant is classified as a variant of uncertain significance for neurodevelopmental disorder with cataracts, poor growth, and dysmorphic facies.